The following is an entry in ClinVar:

ClinVar aggregate classification (germline): Uncertain significance (1 of 4 stars; one submission).

Conditions:
Cardiovascular phenotype. Identifiers: MedGen CN230736.

gnomAD v4.1: 4 of 1,613,922 alleles (0.00025%); highest among the groups gnomAD compares: African/African-American, 0.0053%; no homozygotes.

Submission:

Ambry Genetics
Classification: Uncertain significance for Cardiovascular phenotype. Last evaluated: 2026-01-21. Review status: criteria provided, single submitter. Criteria: Ambry Variant Classification Scheme 2023. Collection method: clinical testing. Allele origin: germline.
Comment: The p.Q546H variant (also known as c.1638G>C), located in coding exon 28 of the COL1A2 gene, results from a G to C substitution at nucleotide position 1638. The glutamine at codon 546 is replaced by histidine, an amino acid with highly similar properties. This amino acid position is conserved. In addition, the in silico prediction for this alteration is inconclusive. Based on the available evidence, the clinical significance of this variant remains unclear.

NM_000089.4(COL1A2):c.1638G>C (p.Gln546His)

Gene: COL1A2 (collagen type I alpha 2 chain; plus strand). Cytogenetic location: 7q21.3.
Variant type: single nucleotide variant.
Coding change: c.1638G>C on transcript NM_000089.4 (MANE Select); coding-DNA position 1638, G replaced by C.
Protein change: p.Gln546His; replaces glutamine 546 with histidine.
Molecular consequence: missense variant.
Genome position (GRCh38, 1-based): chr7:94,413,920, G>C. VCF-style: chr7-94413920-G-C. GRCh37 (hg19) VCF-style: chr7-94043232-G-C.
Other names: short protein forms Q546H.
Identifiers: ClinVar variation 4833002 (VCV004833002.1).
Genomic context (GRCh38, chr7:94,413,920, plus strand): 5'-TTGCTATTTATGCTCTCTTTCCTGTCACTTTCAGGGTGTTCAAGGTGGAAAAGGTGAACA[G>C]GGTCCCCCTGGTCCTCCAGGCTTCCAGGTAAGTCAACTCAAACATATACAATACTGCCTT-3'
Protein context (NP_000080.2, residues 536-556): PQGVQGGKGE[Gln546His]GPPGPPGFQG